The following is an entry in ClinVar:

NM_001330311.2(DVL1):c.563C>T (p.Ser188Phe)

Gene: DVL1 (dishevelled segment polarity protein 1; minus strand). Cytogenetic location: 1p36.33.
Variant type: single nucleotide variant.
Coding change: c.563C>T on transcript NM_001330311.2 (MANE Select); coding-DNA position 563, C replaced by T.
Protein change: p.Ser188Phe; replaces serine 188 with phenylalanine.
Molecular consequence: missense variant.
Genome position (GRCh38, 1-based): chr1:1,341,709, G>A on the plus strand (C>T on the coding strand, the complement: DVL1 is on the minus strand). VCF-style: chr1-1341709-G-A. GRCh37 (hg19) VCF-style: chr1-1277089-G-A.
Other names: c.563C>T, p.Ser188Phe (NM_004421.3); short protein forms S188F.
Identifiers: ClinVar variation 3692946 (VCV003692946.2).

ClinVar aggregate classification (germline): Uncertain significance (1 of 4 stars; one submission).

Submission:

Labcorp Genetics (formerly Invitae), Labcorp
Classification: Uncertain significance. Last evaluated: 2024-08-16. Review status: criteria provided, single submitter. Criteria: Invitae Variant Classification Sherloc (09022015). Collection method: clinical testing. Allele origin: germline.
Comment: This sequence change replaces serine, which is neutral and polar, with phenylalanine, which is neutral and non-polar, at codon 188 of the DVL1 protein (p.Ser188Phe). This variant is not present in population databases (gnomAD no frequency). This variant has not been reported in the literature in individuals affected with DVL1-related conditions. Invitae Evidence Modeling of protein sequence and biophysical properties (such as structural, functional, and spatial information, amino acid conservation, physicochemical variation, residue mobility, and thermodynamic stability) indicates that this missense variant is not expected to disrupt DVL1 protein function with a negative predictive value of 80%. In summary, the available evidence is currently insufficient to determine the role of this variant in disease. Therefore, it has been classified as a Variant of Uncertain Significance.